The following is an entry in ClinVar:

ClinVar aggregate classification (germline): Uncertain significance (1 of 4 stars; one submission).

Conditions:
Neuropathy, hereditary sensory and autonomic, type 2A (HSAN2A). Also called: ACROOSTEOLYSIS, GIACCAI TYPE; ACROOSTEOLYSIS, NEUROGENIC; MORVAN DISEASE; NEUROPATHY, CONGENITAL SENSORY; NEUROPATHY, HEREDITARY SENSORY RADICULAR, AUTOSOMAL RECESSIVE; NEUROPATHY, HEREDITARY SENSORY, TYPE IIA. Identifiers: Orphanet 970, MedGen C2752089, MONDO:0024309, OMIM 201300.
Pseudohypoaldosteronism type 2C (PHA2C). Also called: Pseudohypoaldosteronism Type IIC. Identifiers: Orphanet 757, Orphanet 88940, MedGen C1840391, MONDO:0013778, OMIM 614492.

gnomAD v4.1: 7 of 1,614,020 alleles (0.00043%); highest among the groups gnomAD compares: Non-Finnish European, 0.00059%; no homozygotes.

Submission:

Labcorp Genetics (formerly Invitae), Labcorp
Classification: Uncertain significance for Neuropathy, hereditary sensory and autonomic, type 2A; Pseudohypoaldosteronism type 2C. Last evaluated: 2026-01-28. Review status: criteria provided, single submitter. Criteria: Invitae Variant Classification Sherloc (09022015). Collection method: clinical testing. Allele origin: germline.
Comment: This sequence change replaces serine, which is neutral and polar, with phenylalanine, which is neutral and non-polar, at codon 1766 of the WNK1 protein (p.Ser1766Phe). This variant is not present in population databases (gnomAD no frequency). This variant has not been reported in the literature in individuals affected with WNK1-related conditions. Invitae Evidence Modeling of protein sequence and biophysical properties (such as structural, functional, and spatial information, amino acid conservation, physicochemical variation, residue mobility, and thermodynamic stability) indicates that this missense variant is not expected to disrupt WNK1 protein function with a negative predictive value of 95%. In summary, the available evidence is currently insufficient to determine the role of this variant in disease. Therefore, it has been classified as a Variant of Uncertain Significance.

NM_018979.4(WNK1):c.4541C>T (p.Ser1514Phe)

Gene: WNK1 (WNK lysine deficient protein kinase 1; plus strand). Cytogenetic location: 12p13.33.
Variant type: single nucleotide variant.
Coding change: c.4541C>T on transcript NM_018979.4 (MANE Select); coding-DNA position 4541, C replaced by T.
Protein change: p.Ser1514Phe; replaces serine 1514 with phenylalanine.
Molecular consequence: missense variant.
Genome position (GRCh38, 1-based): chr12:885,345, C>T. VCF-style: chr12-885345-C-T. GRCh37 (hg19) VCF-style: chr12-994511-C-T.
Other names: c.5321C>T, p.Ser1774Phe (NM_001184985.2); c.3800C>T, p.Ser1267Phe (NM_014823.3); c.5297C>T, p.Ser1766Phe (NM_213655.5); short protein forms S1766F, S1774F, S1267F, S1514F.
Identifiers: ClinVar variation 4792577 (VCV004792577.1).